The following is an entry in ClinVar:

NM_002474.3(MYH11):c.3077C>G (p.Thr1026Ser)

Gene: MYH11 (myosin heavy chain 11; minus strand). Cytogenetic location: 16p13.11.
Variant type: single nucleotide variant.
Coding change: c.3077C>G on transcript NM_002474.3 (MANE Select); coding-DNA position 3077, C replaced by G.
Protein change: p.Thr1026Ser; replaces threonine 1026 with serine.
Molecular consequence: missense variant.
Genome position (GRCh38, 1-based): chr16:15,738,609, G>C on the plus strand (C>G on the coding strand, the complement: MYH11 is on the minus strand). VCF-style: chr16-15738609-G-C. GRCh37 (hg19) VCF-style: chr16-15832466-G-C.
Other names: c.3098C>G, p.Thr1033Ser (NM_001040113.2, NM_001040114.2); c.3077C>G, p.Thr1026Ser (NM_022844.3); short protein forms T1026S, T1033S.
Identifiers: ClinVar variation 3222378 (VCV003222378.1), dbSNP rs2506191723, ClinGen allele CA394863759.

ClinVar aggregate classification (germline): Uncertain significance (1 of 4 stars; one submission).

Conditions:
Familial thoracic aortic aneurysm and aortic dissection (TAAD). Also called: Thoracic aortic aneurysms and dissections. Identifiers: Orphanet 91387, MedGen C4707243, MONDO:0019625.

gnomAD v4.1: 1 of 1,614,022 alleles (0.000062%); highest among the groups gnomAD compares: Non-Finnish European, 0.000085%; no homozygotes.

Submission:

Ambry Genetics
Classification: Uncertain significance for Familial thoracic aortic aneurysm and aortic dissection. Last evaluated: 2024-03-07. Review status: criteria provided, single submitter. Criteria: Ambry Variant Classification Scheme 2023. Collection method: clinical testing. Allele origin: germline.
Comment: The p.T1026S variant (also known as c.3077C>G), located in coding exon 23 of the MYH11 gene, results from a C to G substitution at nucleotide position 3077. The threonine at codon 1026 is replaced by serine, an amino acid with similar properties. This amino acid position is conserved. In addition, this alteration is predicted to be tolerated by in silico analysis. Based on the available evidence, the clinical significance of this alteration remains unclear.